The following is an entry in ClinVar:

ClinVar aggregate classification (germline): Uncertain significance (1 of 4 stars; one submission).

Conditions:
Autosomal dominant hypocalcemia 1 (HYPOC1). Also called: HYPOCALCEMIA, FAMILIAL. Identifiers: MedGen C3715128, MONDO:0011013, OMIM 601198.
Familial hypocalciuric hypercalcemia (FHH). Also called: Familial benign hypercalcemia. Identifiers: Orphanet 405, MedGen C1809471, MONDO:0018458.

Submission:

Labcorp Genetics (formerly Invitae), Labcorp
Classification: Uncertain significance for Familial hypocalciuric hypercalcemia; Autosomal dominant hypocalcemia 1. Last evaluated: 2020-07-27. Review status: criteria provided, single submitter. Criteria: Invitae Variant Classification Sherloc (09022015). Collection method: clinical testing. Allele origin: germline.
Comment: This variant is not present in population databases (ExAC no frequency). In summary, the available evidence is currently insufficient to determine the role of this variant in disease. Therefore, it has been classified as a Variant of Uncertain Significance. Algorithms developed to predict the effect of missense changes on protein structure and function (SIFT, PolyPhen-2, Align-GVGD) all suggest that this variant is likely to be disruptive, but these predictions have not been confirmed by published functional studies and their clinical significance is uncertain. This variant has not been reported in the literature in individuals with CASR-related conditions. This sequence change replaces cysteine with serine at codon 781 of the CASR protein (p.Cys781Ser). The cysteine residue is highly conserved and there is a moderate physicochemical difference between cysteine and serine.

NM_000388.4(CASR):c.2341T>A (p.Cys781Ser)

Gene: CASR (calcium sensing receptor; plus strand). Cytogenetic location: 3q21.1.
Variant type: single nucleotide variant.
Coding change: c.2341T>A on transcript NM_000388.4 (MANE Select); coding-DNA position 2341, T replaced by A.
Protein change: p.Cys781Ser; replaces cysteine 781 with serine.
Molecular consequence: missense variant.
Genome position (GRCh38, 1-based): chr3:122,284,295, T>A. VCF-style: chr3-122284295-T-A. GRCh37 (hg19) VCF-style: chr3-122003142-T-A.
Other names: c.2371T>A, p.Cys791Ser (NM_001178065.2); short protein forms C781S, C791S.
Identifiers: ClinVar variation 1064289 (VCV001064289.9), dbSNP rs2107650358, ClinGen allele CA354159585.
Genomic context (GRCh38, chr3:122,284,295, plus strand): 5'-ATCTTCATCACGTGCCACGAGGGCTCCCTCATGGCCCTGGGCTTCCTGATCGGCTACACC[T>A]GCCTGCTGGCTGCCATCTGCTTCTTCTTTGCCTTCAAGTCCCGGAAGCTGCCGGAGAACT-3'
Protein context (NP_000379.3, residues 771-791): MALGFLIGYT[Cys781Ser]LLAAICFFFA